The following is an entry in ClinVar:

NM_022114.4(PRDM16):c.3697G>C (p.Ala1233Pro)

Gene: PRDM16 (PR/SET domain 16; plus strand). Cytogenetic location: 1p36.32.
Variant type: single nucleotide variant.
Coding change: c.3697G>C on transcript NM_022114.4 (MANE Select); coding-DNA position 3697, G replaced by C.
Protein change: p.Ala1233Pro; replaces alanine 1233 with proline.
Molecular consequence: missense variant. On other transcripts: intron variant (1).
Genome position (GRCh38, 1-based): chr1:3,433,677, G>C. VCF-style: chr1-3433677-G-C. GRCh37 (hg19) VCF-style: chr1-3350241-G-C.
Other names: c.3697-57G>C (NM_199454.3); short protein forms A1233P.
Identifiers: ClinVar variation 4803600 (VCV004803600.1).
Genomic context (GRCh38, chr1:3,433,677, plus strand): 5'-CCCGCCCTGCCCACGCGCTCACCTGCCTGTCCTGTGTGTGTGTCATCCCCTCCCCGCCAG[G>C]CATATGCAATGATGCTGTCCCTTTCCGAAGACACTCCTCTCCACACCCCCTCCCAGGGTT-3'
Protein context (NP_071397.3, residues 1223-1243): HTLCRQAKNQ[Ala1233Pro]YAMMLSLSED

ClinVar aggregate classification (germline): Uncertain significance (1 of 4 stars; one submission).

Conditions:
Left ventricular noncompaction 8 (LVNC8). Identifiers: Orphanet 154, Orphanet 54260, MedGen C3809288, MONDO:0014152, OMIM 615373.

Submission:

Labcorp Genetics (formerly Invitae), Labcorp
Classification: Uncertain significance for Left ventricular noncompaction 8. Last evaluated: 2025-12-28. Review status: criteria provided, single submitter. Criteria: Invitae Variant Classification Sherloc (09022015). Collection method: clinical testing. Allele origin: germline.
Comment: This sequence change replaces alanine, which is neutral and non-polar, with proline, which is neutral and non-polar, at codon 1233 of the PRDM16 protein (p.Ala1233Pro). This variant is not present in population databases (gnomAD no frequency). This variant has not been reported in the literature in individuals affected with PRDM16-related conditions. An algorithm developed to predict the effect of missense changes on protein structure and function (PolyPhen-2) suggests that this variant is likely to be disruptive. In summary, the available evidence is currently insufficient to determine the role of this variant in disease. Therefore, it has been classified as a Variant of Uncertain Significance.